The following is an entry in ClinVar:

NM_172107.4(KCNQ2):c.1080_1083del (p.Trp360fs)

Gene: KCNQ2 (potassium voltage-gated channel subfamily Q member 2; minus strand). Cytogenetic location: 20q13.33.
Variant type: Deletion.
Coding change: c.1080_1083del on transcript NM_172107.4 (MANE Select); coding-DNA positions 1080 to 1083, 4 bases deleted (GCAG; older notation c.1080_1083delGCAG).
Protein change: p.Trp360fs; shifts the reading frame from tryptophan 360.
Molecular consequence: frameshift variant.
Genome position (GRCh38, 1-based): chr20:63,433,844-63,433,847, CTGC deleted on the plus strand (GCAG on the coding strand, the reverse complement: KCNQ2 is on the minus strand); deleting any 4 consecutive bases within chr20:63,433,844-63,433,848 gives the same sequence; the c. name uses the placement nearest the transcript's 3' end. VCF-style (leftmost placement, unchanged base first): chr20-63433843-ACTGC-A. GRCh37 (hg19) VCF-style: chr20-62065196-ACTGC-A.
Other names: c.1080_1083del, p.Trp360fs (NM_004518.6, NM_172106.3, NM_172108.5 and 1 more transcripts); short protein forms W360fs.
Identifiers: ClinVar variation 817919 (VCV000817919.1), dbSNP rs1600732159, ClinGen allele CA915952275.
Genomic context (GRCh38, chr20:63,433,843, plus strand): 5'-TGGTGGCAGGTGCCCGGCGGCGGTACCTGTACATGGGCACGGTGACCGTTCGCTCGTAGT[ACTGC>A]CACGTGGAGTGCAGGTCTGTGCGCGAGAGGTTGGTGGCGTAGAATCTCCAGGCCGACTGC-3'

ClinVar aggregate classification (germline): Pathogenic (1 of 4 stars; one submission).

Submission:

GeneDx
Classification: Pathogenic. Last evaluated: 2018-12-17. Review status: criteria provided, single submitter. Criteria: GeneDx Variant Classification (06012015). Collection method: clinical testing. Allele origin: germline. Affected: yes.
Comment: The c.1080_1083delGCAG pathogenic variant in the KCNQ2 gene causes a frameshift starting with codon Tryptophan 360, changes this amino acid to a Cysteine residue and creates a premature Stop codon at position 28 of the new reading frame, denoted p.Trp360CysfsX28. This pathogenic variant is predicted to cause loss of normal protein function either through protein truncation or nonsense-mediated mRNA decay. The c.1080_1083delGCAG variant is not observed in large population cohorts (Lek et al., 2016).